The following is an entry in ClinVar:

NM_001166108.2(PALLD):c.1965-12744T>C

Gene: PALLD (palladin, cytoskeletal associated protein; plus strand). Cytogenetic location: 4q32.3.
Variant type: single nucleotide variant.
Coding change: c.1965-12744T>C on transcript NM_001166108.2 (MANE Select); 12744 bases into the intron before coding-DNA position 1965, T replaced by C.
Molecular consequence: intron variant. On other transcripts: missense variant (1).
Genome position (GRCh38, 1-based): chr4:168,878,178, T>C. VCF-style: chr4-168878178-T-C. GRCh37 (hg19) VCF-style: chr4-169799329-T-C.
Other names: c.287T>C, p.Phe96Ser (NM_001166110.2); c.1965-12744T>C (NM_016081.4); c.819-12744T>C (NM_001166109.2); c.-157-12744T>C (NM_001367570.1, NM_001367568.1, NM_001367567.1 and 1 more transcripts); short protein forms F96S.
Identifiers: ClinVar variation 1718939 (VCV001718939.5), dbSNP rs2533440217, ClinGen allele CA358796041.

ClinVar aggregate classification (germline): Uncertain significance (1 of 4 stars; one submission).

Conditions:
Pancreatic adenocarcinoma. Identifiers: MedGen C0281361, MONDO:0006047, HP:0006725.

Submission:

Labcorp Genetics (formerly Invitae), Labcorp
Classification: Uncertain significance for Pancreatic adenocarcinoma. Last evaluated: 2022-09-06. Review status: criteria provided, single submitter. Criteria: Invitae Variant Classification Sherloc (09022015). Collection method: clinical testing. Allele origin: germline.
Comment: This sequence change replaces phenylalanine, which is neutral and non-polar, with serine, which is neutral and polar, at codon 96 of the PALLD protein (p.Phe96Ser). This variant is not present in population databases (gnomAD no frequency). This variant has not been reported in the literature in individuals affected with PALLD-related conditions. Algorithms developed to predict the effect of missense changes on protein structure and function are either unavailable or do not agree on the potential impact of this missense change (SIFT: "Deleterious"; PolyPhen-2: "Benign"; Align-GVGD: "Class C65"). In summary, the available evidence is currently insufficient to determine the role of this variant in disease. Therefore, it has been classified as a Variant of Uncertain Significance.